The following is an entry in ClinVar:

NM_005219.5(DIAPH1):c.811C>T (p.Gln271Ter)

Gene: DIAPH1 (diaphanous related formin 1; minus strand). Cytogenetic location: 5q31.3.
Variant type: single nucleotide variant.
Coding change: c.811C>T on transcript NM_005219.5 (MANE Select); coding-DNA position 811, C replaced by T.
Protein change: p.Gln271Ter; replaces glutamine 271 with a stop codon.
Molecular consequence: nonsense.
Genome position (GRCh38, 1-based): chr5:141,580,757, G>A on the plus strand (C>T on the coding strand, the complement: DIAPH1 is on the minus strand). VCF-style: chr5-141580757-G-A. GRCh37 (hg19) VCF-style: chr5-140960324-G-A.
Other names: c.784C>T, p.Gln262Ter (NM_001079812.3); c.811C>T, p.Gln271Ter (NM_001314007.2); short protein forms Q262*, Q271*.
Identifiers: ClinVar variation 3750274 (VCV003750274.2).
Genomic context (GRCh38, chr5:141,580,757, plus strand): 5'-AATGATAAAATTGAAAATGGAGAAGAAAAATTATTCCAGTCACATACATGTCCTCTGGCT[G>A]CGGTAGAATACAAAGAGCAGAAAGCAGCTTAGCTGCATCAATCATCATGTTGGGAACAGC-3'

ClinVar aggregate classification (germline): Pathogenic (1 of 4 stars; one submission).

Conditions:
Autosomal dominant nonsyndromic hearing loss 1. Also called: KONIGSMARK SYNDROME; DEAFNESS, AUTOSOMAL DOMINANT 1, WITH OR WITHOUT THROMBOCYTOPENIA. Identifiers: Orphanet 90635, MedGen C1852282, MONDO:0007424, OMIM 124900.
Progressive microcephaly-seizures-cortical blindness-developmental delay syndrome. Also called: Seizures, cortical blindness, and microcephaly syndrome. Identifiers: Orphanet 477814, MedGen C5567650, MONDO:0014714, OMIM 616632.

Submission:

Labcorp Genetics (formerly Invitae), Labcorp
Classification: Pathogenic for Progressive microcephaly-seizures-cortical blindness-developmental delay syndrome; Autosomal dominant nonsyndromic hearing loss 1. Last evaluated: 2024-07-17. Review status: criteria provided, single submitter. Criteria: Invitae Variant Classification Sherloc (09022015). Collection method: clinical testing. Allele origin: germline.
Comment: This sequence change creates a premature translational stop signal (p.Gln271*) in the DIAPH1 gene. It is expected to result in an absent or disrupted protein product. Loss-of-function variants in DIAPH1 are known to be pathogenic (PMID: 24781755, 26463574). This variant is not present in population databases (gnomAD no frequency). This variant has not been reported in the literature in individuals affected with DIAPH1-related conditions. Algorithms developed to predict the effect of sequence changes on RNA splicing suggest that this variant may disrupt the consensus splice site. For these reasons, this variant has been classified as Pathogenic.

Literature cited by the submitters: PubMed 24781755; PubMed 26463574.